The following is an entry in ClinVar:

ClinVar aggregate classification (germline): Benign/Likely benign. Review status: criteria provided, multiple submitters, no conflicts (2 of 4 stars). 8 submissions from 8 submitters: Benign (5); Likely benign (3). Last evaluated 2025-10-26.

Conditions:
Charcot-Marie-Tooth disease type 2B (CMT2B). Also called: CHARCOT-MARIE-TOOTH DISEASE, AUTOSOMAL DOMINANT, TYPE 2B; HEREDITARY MOTOR AND SENSORY NEUROPATHY IIB; CHARCOT-MARIE-TOOTH DISEASE, AXONAL, TYPE 2B; Charcot-Marie-Tooth Neuropathy Type 2B. Identifiers: Orphanet 99936, MedGen C1833219, MONDO:0010949, OMIM 600882.
Inborn genetic diseases. Identifiers: MedGen C0950123, MeSH D030342.

Allele frequency attached by ClinVar (database versions not stated): gnomAD exomes 0.00131; ExAC 0.00147; gnomAD 0.00322 and 0.00341; ESP Exome Variant Server 0.00346; TOPMed 0.00353; 1000 Genomes Project 30x 0.00375; 1000 Genomes Project 0.00379.
gnomAD v4.1: 1,338 of 1,614,216 alleles (0.083%); highest among the groups gnomAD compares: African/African-American, 1.1%; 10 homozygotes.

Submissions (8):

Labcorp Genetics (formerly Invitae), Labcorp
Classification: Benign for Charcot-Marie-Tooth disease type 2B. Last evaluated: 2025-10-26. Review status: criteria provided, single submitter. Criteria: Invitae Variant Classification Sherloc (09022015). Collection method: clinical testing. Allele origin: germline.

Mayo Clinic Laboratories, Mayo Clinic
Classification: Benign. Last evaluated: 2025-05-23. Review status: criteria provided, single submitter. Criteria: ACMG Guidelines, 2015. Collection method: clinical testing. Allele origin: germline. Observed: 2 variant alleles.
Comment: BS1, BS2, BP4, BP7

Athena Diagnostics
Classification: Benign. Last evaluated: 2025-04-16. Review status: criteria provided, single submitter. Criteria: Athena Diagnostics Criteria. Collection method: clinical testing. Allele origin: unknown.
Comment: The frequency of this variant in the general population is higher than would generally be expected for pathogenic variants in this gene.

ARUP Laboratories, Molecular Genetics and Genomics, ARUP Laboratories
Classification: Likely benign for Charcot-Marie-Tooth disease type 2B. Last evaluated: 2021-01-25. Review status: criteria provided, single submitter. Criteria: ARUP Molecular Germline Variant Investigation Process 2021. Collection method: clinical testing. Allele origin: germline.

GeneDx
Classification: Benign. Last evaluated: 2019-07-19. Review status: criteria provided, single submitter. Criteria: GeneDx Variant Classification Process June 2021. Collection method: clinical testing. Allele origin: germline. Affected: yes.

Ambry Genetics
Classification: Likely benign for Inborn genetic diseases. Last evaluated: 2019-07-11. Review status: criteria provided, single submitter. Criteria: Ambry Variant Classification Scheme 2023. Collection method: clinical testing. Allele origin: germline.

Illumina Laboratory Services, Illumina
Classification: Benign for Charcot-Marie-Tooth disease type 2B. Last evaluated: 2018-01-13. Review status: criteria provided, single submitter. Criteria: ICSL Variant Classification Criteria 13 December 2019. Collection method: clinical testing. Allele origin: germline.
Comment: This variant was observed in the ICSL laboratory as part of a predisposition screen in an ostensibly healthy population. It had not been previously curated by ICSL or reported in the Human Gene Mutation Database (HGMD: prior to June 1st, 2018), and was therefore a candidate for classification through an automated scoring system. Utilizing variant allele frequency, disease prevalence and penetrance estimates, and inheritance mode, an automated score was calculated to assess if this variant is too frequent to cause the disease. Based on the score and internal cut-off values, a variant classified as benign is not then subjected to further curation. The score for this variant resulted in a classification of benign for this disease.

Breakthrough Genomics
Classification: Likely benign. Review status: criteria provided, single submitter. Criteria: ACMG Guidelines, 2015. Collection method: not provided. Allele origin: germline. Inheritance: Autosomal dominant inheritance. Affected: yes.

NM_004637.6(RAB7A):c.495G>A (p.Ala165=)

Gene: RAB7A (RAB7A, member RAS oncogene family; plus strand). Cytogenetic location: 3q21.3.
Variant type: single nucleotide variant.
Coding change: c.495G>A on transcript NM_004637.6 (MANE Select); coding-DNA position 495, G replaced by A.
Protein change: p.Ala165=; no amino-acid change (alanine 165 retained).
Molecular consequence: synonymous variant.
Genome position (GRCh38, 1-based): chr3:128,807,638, G>A. VCF-style: chr3-128807638-G-A. GRCh37 (hg19) VCF-style: chr3-128526481-G-A.
Other names: p.Ala165=.
Identifiers: ClinVar variation 343159 (VCV000343159.26), dbSNP rs146566121, ClinGen allele CA2600851.